The following is an entry in ClinVar:

ClinVar aggregate classification (germline): Uncertain significance (1 of 4 stars; one submission).

Allele frequency attached by ClinVar (database versions not stated): gnomAD exomes below 0.00001.
gnomAD v4.1: 1 of 1,553,106 alleles (0.000064%); highest among the groups gnomAD compares: Non-Finnish European, 0.000087%; no homozygotes.

Submission:

Labcorp Genetics (formerly Invitae), Labcorp
Classification: Uncertain significance. Last evaluated: 2024-10-17. Review status: criteria provided, single submitter. Criteria: Invitae Variant Classification Sherloc (09022015). Collection method: clinical testing. Allele origin: germline.
Comment: This sequence change replaces glutamic acid, which is acidic and polar, with valine, which is neutral and non-polar, at codon 1797 of the MYO18B protein (p.Glu1797Val). This variant is not present in population databases (gnomAD no frequency). This variant has not been reported in the literature in individuals affected with MYO18B-related conditions. ClinVar contains an entry for this variant (Variation ID: 1468555). An algorithm developed to predict the effect of missense changes on protein structure and function (PolyPhen-2) suggests that this variant is likely to be disruptive. In summary, the available evidence is currently insufficient to determine the role of this variant in disease. Therefore, it has been classified as a Variant of Uncertain Significance.

NM_032608.7(MYO18B):c.5390A>T (p.Glu1797Val)

Gene: MYO18B (myosin XVIIIB; plus strand). Cytogenetic location: 22q12.1.
Variant type: single nucleotide variant.
Coding change: c.5390A>T on transcript NM_032608.7 (MANE Select); coding-DNA position 5390, A replaced by T.
Protein change: p.Glu1797Val; replaces glutamic acid 1797 with valine.
Molecular consequence: missense variant.
Genome position (GRCh38, 1-based): chr22:25,921,282, A>T. VCF-style: chr22-25921282-A-T. GRCh37 (hg19) VCF-style: chr22-26317249-A-T.
Other names: c.5393A>T, p.Glu1798Val (NM_001318245.2); short protein forms E1797V, E1798V.
Identifiers: ClinVar variation 1468555 (VCV001468555.6), dbSNP rs2146442673, ClinGen allele CA411005262.